The following is an entry in ClinVar:

ClinVar aggregate classification (germline): Likely pathogenic (1 of 4 stars; one submission).

Conditions:
Neonatal-onset encephalopathy with rigidity and seizures. Also called: Lethal neonatal spasticity-epileptic encephalopathy syndrome. Identifiers: Orphanet 435845, MedGen C3281029, MONDO:0013784, OMIM 614498.

Allele frequency attached by ClinVar (database versions not stated): gnomAD exomes below 0.00001.
gnomAD v4.1: 1 of 1,589,762 alleles (0.000063%); highest among the groups gnomAD compares: Non-Finnish European, 0.000086%; no homozygotes.

Submission:

Labcorp Genetics (formerly Invitae), Labcorp
Classification: Likely pathogenic for Neonatal-onset encephalopathy with rigidity and seizures. Last evaluated: 2022-05-27. Review status: criteria provided, single submitter. Criteria: Invitae Variant Classification Sherloc (09022015). Collection method: clinical testing. Allele origin: germline.
Comment: This sequence change affects an acceptor splice site in intron 5 of the BRAT1 gene. It is expected to disrupt RNA splicing. Variants that disrupt the donor or acceptor splice site typically lead to a loss of protein function (PMID: 16199547), and loss-of-function variants in BRAT1 are known to be pathogenic (PMID: 22279524, 25500575). This variant is not present in population databases (gnomAD no frequency). This variant has not been reported in the literature in individuals affected with BRAT1-related conditions. Algorithms developed to predict the effect of sequence changes on RNA splicing suggest that this variant may disrupt the consensus splice site. In summary, the currently available evidence indicates that the variant is pathogenic, but additional data are needed to prove that conclusively. Therefore, this variant has been classified as Likely Pathogenic.

Literature cited by the submitters: PubMed 16199547; PubMed 22279524; PubMed 25500575.

NM_152743.4(BRAT1):c.804-1G>T

Gene: BRAT1 (BRCA1 associated ATM activator 1; minus strand). Cytogenetic location: 7p22.3.
Variant type: single nucleotide variant.
Coding change: c.804-1G>T on transcript NM_152743.4 (MANE Select); the canonical splice acceptor site of the intron before coding-DNA position 804, G replaced by T.
Molecular consequence: splice acceptor variant.
Genome position (GRCh38, 1-based): chr7:2,543,324, C>A on the plus strand (G>T on the coding strand, the complement: BRAT1 is on the minus strand). VCF-style: chr7-2543324-C-A. GRCh37 (hg19) VCF-style: chr7-2582958-C-A.
Other names: c.279-1G>T (NM_001350627.2); c.804-1G>T (NM_001350626.2).
Identifiers: ClinVar variation 1999598 (VCV001999598.4), dbSNP rs2534380464, ClinGen allele CA366631263.